The following is an entry in ClinVar:

ClinVar aggregate classification (germline): Uncertain significance (1 of 4 stars; one submission).

Submission:

Mayo Clinic Laboratories, Mayo Clinic
Classification: Uncertain significance. Last evaluated: 2023-11-09. Review status: criteria provided, single submitter. Criteria: ACMG Guidelines, 2015. Collection method: clinical testing. Allele origin: germline. Observed: 1 variant allele.
Comment: BP4, PM2_moderate

NM_012088.3(PGLS):c.22C>T (p.Leu8Phe)

Genes: PGLS (6-phosphogluconolactonase; plus strand), PGLS-DT (PGLS divergent transcript; minus strand). Cytogenetic location: 19p13.11.
Variant type: single nucleotide variant.
Coding change: c.22C>T on transcript NM_012088.3 (MANE Select); coding-DNA position 22, C replaced by T.
Protein change: p.Leu8Phe; replaces leucine 8 with phenylalanine.
Molecular consequence: missense variant. On other transcripts: non-coding transcript variant (1).
Genome position (GRCh38, 1-based): chr19:17,511,694, C>T. VCF-style: chr19-17511694-C-T. GRCh37 (hg19) VCF-style: chr19-17622503-C-T.
Other names: p.Leu8Phe; short protein forms L8F.
Identifiers: ClinVar variation 3380598 (VCV003380598.1).